The following is an entry in ClinVar:

ClinVar aggregate classification (germline): Likely benign (0 of 4 stars; one submission).

Conditions:
GPC6-related disorder. Also called: GPC6-related condition.

Allele frequency attached by ClinVar (database versions not stated): gnomAD exomes below 0.00001.
gnomAD v4.1: 4 of 1,607,248 alleles (0.00025%); highest among the groups gnomAD compares: Non-Finnish European, 0.00034%; no homozygotes.

Submission:

PreventionGenetics, part of Exact Sciences
Classification: Likely benign for GPC6-related condition. Last evaluated: 2019-06-24. Review status: no assertion criteria provided. Collection method: clinical testing. Allele origin: germline.
Comment: This variant is classified as likely benign based on ACMG/AMP sequence variant interpretation guidelines (Richards et al. 2015 PMID: 25741868, with internal and published modifications).

NM_005708.5(GPC6):c.387C>T (p.Gly129=)

Genes: GPC6 (glypican 6; plus strand), GPC6-AS2 (GPC6 antisense RNA 2; minus strand). Cytogenetic location: 13q31.3.
Variant type: single nucleotide variant.
Coding change: c.387C>T on transcript NM_005708.5 (MANE Select); coding-DNA position 387, C replaced by T.
Protein change: p.Gly129=; no amino-acid change (glycine 129 retained).
Molecular consequence: synonymous variant.
Genome position (GRCh38, 1-based): chr13:93,830,221, C>T. VCF-style: chr13-93830221-C-T. GRCh37 (hg19) VCF-style: chr13-94482474-C-T.
Identifiers: ClinVar variation 3043400 (VCV003043400.2), dbSNP rs1028533457, ClinGen allele CA255001047.